The following is an entry in ClinVar:

ClinVar aggregate classification (germline): Conflicting classifications of pathogenicity. Review status: criteria provided, conflicting classifications (1 of 4 stars). 2 submissions from 2 submitters: Uncertain significance (1); Likely benign (1). Last evaluated 2026-06-12.

Conditions:
Hereditary cancer-predisposing syndrome. Also called: Hereditary Cancer Syndrome; Neoplastic Syndromes, Hereditary; Hereditary neoplastic syndrome; Tumor predisposition. Identifiers: Orphanet 140162, MedGen C0027672, MeSH D009386, MONDO:0015356.
Cardiovascular phenotype. Identifiers: MedGen CN230736.
Neurofibromatosis, type 1 (NF1). Also called: VON RECKLINGHAUSEN DISEASE; Neurofibromatosis, type I; NEUROFIBROMATOSIS, TYPE I, SOMATIC; Peripheral type neurofibromatosis. Identifiers: Orphanet 636, MedGen C0027831, MONDO:0018975, OMIM 162200. Disease mechanism: loss of function.

gnomAD v4.1: 1 of 1,613,512 alleles (0.000062%); no homozygotes.

Submissions (2):

Ambry Genetics
Classification: Likely benign for Cardiovascular phenotype; Hereditary cancer-predisposing syndrome. Last evaluated: 2026-06-12. Review status: criteria provided, single submitter. Criteria: Ambry Variant Classification Scheme 2023. Collection method: clinical testing. Allele origin: germline.

Labcorp Genetics (formerly Invitae), Labcorp
Classification: Uncertain significance for Neurofibromatosis, type 1. Last evaluated: 2022-10-04. Review status: criteria provided, single submitter. Criteria: Invitae Variant Classification Sherloc (09022015). Collection method: clinical testing. Allele origin: germline.
Comment: In summary, the available evidence is currently insufficient to determine the role of this variant in disease. Therefore, it has been classified as a Variant of Uncertain Significance. Advanced modeling of protein sequence and biophysical properties (such as structural, functional, and spatial information, amino acid conservation, physicochemical variation, residue mobility, and thermodynamic stability) performed at Invitae indicates that this missense variant is not expected to disrupt NF1 protein function. This variant has not been reported in the literature in individuals affected with NF1-related conditions. This variant is not present in population databases (gnomAD no frequency). This sequence change replaces aspartic acid, which is acidic and polar, with asparagine, which is neutral and polar, at codon 618 of the NF1 protein (p.Asp618Asn).

NM_001042492.3(NF1):c.1852G>A (p.Asp618Asn)

Gene: NF1 (neurofibromin 1; plus strand). Cytogenetic location: 17q11.2.
Variant type: single nucleotide variant.
Coding change: c.1852G>A on transcript NM_001042492.3 (MANE Select); coding-DNA position 1852, G replaced by A.
Protein change: p.Asp618Asn; replaces aspartic acid 618 with asparagine.
Molecular consequence: missense variant.
Genome position (GRCh38, 1-based): chr17:31,225,101, G>A. VCF-style: chr17-31225101-G-A. GRCh37 (hg19) VCF-style: chr17-29552119-G-A.
Other names: c.1852G>A, p.Asp618Asn (NM_000267.4); short protein forms D618N.
Identifiers: ClinVar variation 1720927 (VCV001720927.9), dbSNP rs2144025699, ClinGen allele CA399005025.